The following is an entry in ClinVar:

ClinVar aggregate classification (germline): Uncertain significance (1 of 4 stars; one submission).

Submission:

GeneDx
Classification: Uncertain significance. Last evaluated: 2025-06-02. Review status: criteria provided, single submitter. Criteria: GeneDx Variant Classification Process June 2021. Collection method: clinical testing. Allele origin: germline. Affected: yes.
Comment: Not observed at significant frequency in large population cohorts (gnomAD); In silico analysis suggests that this missense variant does not alter protein structure/function; Has not been previously published as pathogenic or benign to our knowledge

NM_001394062.1(MACF1):c.22364G>A (p.Ser7455Asn)

Gene: MACF1 (microtubule actin crosslinking factor 1; plus strand). Cytogenetic location: 1p34.3.
Variant type: single nucleotide variant.
Coding change: c.22364G>A on transcript NM_001394062.1 (MANE Select); coding-DNA position 22364, G replaced by A.
Protein change: p.Ser7455Asn; replaces serine 7455 with asparagine.
Molecular consequence: missense variant.
Genome position (GRCh38, 1-based): chr1:39,484,683, G>A. VCF-style: chr1-39484683-G-A. GRCh37 (hg19) VCF-style: chr1-39950355-G-A.
Other names: c.10244G>A, p.Ser3415Asn (NM_001397473.1); c.15989G>A, p.Ser5330Asn (NM_012090.5); short protein forms S3415N, S5330N, S7455N.
Identifiers: ClinVar variation 4536373 (VCV004536373.1).
Genomic context (GRCh38, chr1:39,484,683, plus strand): 5'-AGTTGAAACGACCAACACCAACTTTTCATTCTAGTCGGACATCCCTTGCTGGTGATACCA[G>A]CAATAGTTCTTCCCCGGCCTCCACAGGTGCCAAAACTAATCGGGCAGGTAAGTACCTGCC-3'
Protein context (NP_001380991.1, residues 7445-7465): SSRTSLAGDT[Ser7455Asn]NSSSPASTGA